The following is an entry in ClinVar:

ClinVar aggregate classification (germline): Likely pathogenic (1 of 4 stars; one submission).

Submission:

Athena Diagnostics
Classification: Likely pathogenic. Last evaluated: 2021-07-27. Review status: criteria provided, single submitter. Criteria: Athena Diagnostics Criteria. Collection method: clinical testing. Allele origin: unknown.
Comment: This variant has not been reported in large, multi-ethnic general populations. Computational tools yielded predictions that this amino acid change may be damaging to the protein. This observation is not an independent occurrence and has been identified in the same individual by RCIGM, the other laboratory participating in the GEMINI study.

NM_003072.5(SMARCA4):c.2463G>C (p.Glu821Asp)

Gene: SMARCA4 (SWI/SNF related BAF chromatin remodeling complex subunit ATPase 4; plus strand). Cytogenetic location: 19p13.2.
Variant type: single nucleotide variant.
Coding change: c.2463G>C on transcript NM_003072.5 (MANE Select); coding-DNA position 2463, G replaced by C.
Protein change: p.Glu821Asp; replaces glutamic acid 821 with aspartic acid.
Molecular consequence: missense variant. On other transcripts: non-coding transcript variant (1).
Genome position (GRCh38, 1-based): chr19:11,018,981, G>C. VCF-style: chr19-11018981-G-C. GRCh37 (hg19) VCF-style: chr19-11129657-G-C.
Other names: c.2463G>C, p.Glu821Asp (NM_001128844.3, NM_001128845.2, NM_001128846.2 and 6 more transcripts); short protein forms E821D.
Identifiers: ClinVar variation 1809733 (VCV001809733.1), dbSNP rs375459615, ClinGen allele CA404053573.